The following is an entry in ClinVar:

NM_001042492.3(NF1):c.5381T>G (p.Val1794Gly)

Gene: NF1 (neurofibromin 1; plus strand). Cytogenetic location: 17q11.2.
Variant type: single nucleotide variant.
Coding change: c.5381T>G on transcript NM_001042492.3 (MANE Select); coding-DNA position 5381, T replaced by G.
Protein change: p.Val1794Gly; replaces valine 1794 with glycine.
Molecular consequence: missense variant.
Genome position (GRCh38, 1-based): chr17:31,327,611, T>G. VCF-style: chr17-31327611-T-G. GRCh37 (hg19) VCF-style: chr17-29654629-T-G.
Other names: c.5318T>G, p.Val1773Gly (NM_000267.4); short protein forms V1773G, V1794G.
Identifiers: ClinVar variation 1709418 (VCV001709418.2), dbSNP rs142867979, ClinGen allele CA399009311.

ClinVar aggregate classification (germline): Uncertain significance (1 of 4 stars; one submission).

Conditions:
Neurofibromatosis, type 1 (NF1). Also called: Peripheral type neurofibromatosis; VON RECKLINGHAUSEN DISEASE; NEUROFIBROMATOSIS, TYPE I, SOMATIC; Neurofibromatosis, type I. Identifiers: Orphanet 636, MedGen C0027831, MONDO:0018975, OMIM 162200. Disease mechanism: loss of function.

Allele frequency attached by ClinVar (database versions not stated): TOPMed below 0.00001; gnomAD 0.00001.
gnomAD v4.1: 1 of 1,614,048 alleles (0.000062%); highest among the groups gnomAD compares: Non-Finnish European, 0.000085%; no homozygotes.

Submission:

MGZ Medical Genetics Center
Classification: Uncertain significance for Neurofibromatosis, type 1. Last evaluated: 2022-04-11. Review status: criteria provided, single submitter. Criteria: ACMG Guidelines, 2015. Collection method: clinical testing. Allele origin: germline. Affected: yes. Observed: 1 variant allele.
Comment: ACMG criteria applied: PM2_SUP, PP2, PP3